The following is an entry in ClinVar:

ClinVar aggregate classification (germline): Likely pathogenic (1 of 4 stars; one submission).

Conditions:
Mucopolysaccharidosis, MPS-IV-A (MPS4A). Also called: Mucopolysaccharidosis type IV A; Mucopolysaccharidosis Type IVA; Morquio syndrome A, mild; MORQUIO SYNDROME A; MPS IVA; mucopolysaccharidosis type 4A. Identifiers: Orphanet 309297, Orphanet 582, MedGen C0086651, MONDO:0009659, OMIM 253000.

Allele frequency attached by ClinVar (database versions not stated): ExAC 0.00001; gnomAD exomes below 0.00001.

Submission:

Laboratory of Diagnosis and Therapy of Lysosomal Disorders, University of Padova
Classification: Likely pathogenic for Mucopolysaccharidosis, MPS-IV-A. Last evaluated: 2021-02-01. Review status: criteria provided, single submitter. Criteria: ACMG Guidelines, 2015. Collection method: curation. Allele origin: germline. Affected: yes.
Comment: In vivo functional studies supportive of a damaging effect on the gene product (low to null enzymatic activity in homozygotes; PS3_supporting); the prevalence of the variant in affected individuals is significantly increased compared with the prevalence in controls (PS4_strong); absent from gnomAD v2.1.1 (PM2_moderate); multiple lines of computational evidence support a deleterious effect on the gene (PP3_supporting)

Literature cited by the submitters: PubMed 23313879; PubMed 24726177; PubMed 34387910.

NM_000512.5(GALNS):c.494G>A (p.Cys165Tyr)

Gene: GALNS (galactosamine (N-acetyl)-6-sulfatase; minus strand). Cytogenetic location: 16q24.3.
Variant type: single nucleotide variant.
Coding change: c.494G>A on transcript NM_000512.5 (MANE Select); coding-DNA position 494, G replaced by A.
Protein change: p.Cys165Tyr; replaces cysteine 165 with tyrosine.
Molecular consequence: missense variant. On other transcripts: 5 prime UTR variant (1).
Genome position (GRCh38, 1-based): chr16:88,837,694, C>T on the plus strand (G>A on the coding strand, the complement: GALNS is on the minus strand). VCF-style: chr16-88837694-C-T. GRCh37 (hg19) VCF-style: chr16-88904102-C-T.
Other names: c.-62G>A (NM_001323543.2); c.512G>A, p.Cys171Tyr (NM_001323544.2); short protein forms C165Y, C171Y.
Identifiers: ClinVar variation 1048196 (VCV001048196.3), dbSNP rs768757999, ClinGen allele CA8235123.
Genomic context (GRCh38, chr16:88,837,694, plus strand): 5'-TCCCAGTCCCTGTACACAGGGATGTTGGGCCTGGCCTTGTTGTCATAAGGTCCAAAGTGG[C>T]AGTTGGGGGATCCAAACCACTCATCAAATCCGTGCTTCAGGGGGTGGAACTGGGGCCTGT-3'
Protein context (NP_000503.1, residues 155-175): GFDEWFGSPN[Cys165Tyr]HFGPYDNKAR